The following is an entry in ClinVar:

ClinVar aggregate classification (germline): Uncertain significance. Review status: criteria provided, multiple submitters, no conflicts (2 of 4 stars). 3 submissions from 3 submitters: Uncertain significance (3). Last evaluated 2026-03-29.

Conditions:
Myofibrillar myopathy 6. Identifiers: Orphanet 199340, MedGen C2751831, MONDO:0013061, OMIM 612954.
Dilated cardiomyopathy 1HH (CMD1HH). Identifiers: Orphanet 154, MedGen C3151293, MONDO:0013479, OMIM 613881.
Cardiovascular phenotype. Identifiers: MedGen CN230736.

Allele frequency attached by ClinVar (database versions not stated): gnomAD exomes below 0.00001; ExAC 0.00001.
gnomAD v4.1: 2 of 1,613,832 alleles (0.00012%); highest among the groups gnomAD compares: Non-Finnish European, 0.00017%; no homozygotes.

Submissions (3):

Ambry Genetics
Classification: Uncertain significance for Cardiovascular phenotype. Last evaluated: 2026-03-29. Review status: criteria provided, single submitter. Criteria: Ambry Variant Classification Scheme 2023. Collection method: clinical testing. Allele origin: germline.
Comment: The p.S268P variant (also known as c.802T>C), located in coding exon 3 of the BAG3 gene, results from a T to C substitution at nucleotide position 802. The serine at codon 268 is replaced by proline, an amino acid with similar properties. This amino acid position is conserved. In addition, this alteration is predicted to be tolerated by in silico analysis. Based on the available evidence, the clinical significance of this variant remains unclear.

Labcorp Genetics (formerly Invitae), Labcorp
Classification: Uncertain significance for Dilated cardiomyopathy 1HH; Myofibrillar myopathy 6. Last evaluated: 2025-11-24. Review status: criteria provided, single submitter. Criteria: Invitae Variant Classification Sherloc (09022015). Collection method: clinical testing. Allele origin: germline.
Comment: This sequence change replaces serine, which is neutral and polar, with proline, which is neutral and non-polar, at codon 268 of the BAG3 protein (p.Ser268Pro). This variant is present in population databases (rs761965592, gnomAD 0.0009%). This variant has not been reported in the literature in individuals affected with BAG3-related conditions. ClinVar contains an entry for this variant (Variation ID: 520470). Invitae Evidence Modeling of protein sequence and biophysical properties (such as structural, functional, and spatial information, amino acid conservation, physicochemical variation, residue mobility, and thermodynamic stability) indicates that this missense variant is not expected to disrupt BAG3 protein function with a negative predictive value of 80%. In summary, the available evidence is currently insufficient to determine the role of this variant in disease. Therefore, it has been classified as a Variant of Uncertain Significance.

Molecular Diagnostic Laboratory for Inherited Cardiovascular Disease, Montreal Heart Institute
Classification: Uncertain significance for Cardiovascular phenotype. Last evaluated: 2025-04-08. Review status: criteria provided, single submitter. Criteria: ACMG Guidelines, 2015. Collection method: clinical testing. Allele origin: germline. Affected: yes.

NM_004281.4(BAG3):c.802T>C (p.Ser268Pro)

Gene: BAG3 (BAG cochaperone 3; plus strand). Cytogenetic location: 10q26.11.
Variant type: single nucleotide variant.
Coding change: c.802T>C on transcript NM_004281.4 (MANE Select); coding-DNA position 802, T replaced by C.
Protein change: p.Ser268Pro; replaces serine 268 with proline.
Molecular consequence: missense variant.
Genome position (GRCh38, 1-based): chr10:119,672,549, T>C. VCF-style: chr10-119672549-T-C. GRCh37 (hg19) VCF-style: chr10-121432061-T-C.
Other names: short protein forms S268P.
Identifiers: ClinVar variation 520470 (VCV000520470.11), dbSNP rs761965592, ClinGen allele CA5716415.
Genomic context (GRCh38, chr10:119,672,549, plus strand): 5'-CACAAGATCCAGGGGGATGACTGGGAGCCCCGGCCCCTGCGGGCGGCATCCCCGTTCAGG[T>C]CATCTGTCCAGGGTGCATCGAGCCGGGAGGGCTCACCAGCCAGGAGCAGCACGCCACTCC-3'
Protein context (NP_004272.2, residues 258-278): RPLRAASPFR[Ser268Pro]SVQGASSREG